The following is an entry in ClinVar:

ClinVar aggregate classification (germline): Uncertain significance (1 of 4 stars; one submission).

Conditions:
Isolated growth hormone deficiency, type 5. Also called: PITUITARY HORMONE DEFICIENCY, COMBINED OR ISOLATED, 7. Identifiers: MedGen C4748435, MONDO:0032569, OMIM 618160.

Submission:

Neuberg Centre For Genomic Medicine, NCGM
Classification: Uncertain significance for Isolated growth hormone deficiency, type 5. Review status: criteria provided, single submitter. Criteria: ACMG Guidelines, 2015. Collection method: clinical testing. Allele origin: germline. Inheritance: Autosomal recessive inheritance. Affected: yes.
Comment: The observed splice donor c.388+3A>G variant in SLC34A1 gene has not been reported previously as a pathogenic variant nor as a benign variant, to our knowledge. The c.388+3A>G variant is present with allele frequency of 0.0008% in gnomAD Exomes. This variant has not been submitted to the ClinVar database. The SpliceAI predicts as score of 0.16 for this variant. However, additional functional studies will be required to prove the pathogenicity of this variant. For these reasons, this variant has been classified as a Variant of Uncertain Significance (VUS).

NM_017619.4(RNPC3):c.48CTC[2] (p.Ser19del)

Genes: RNPC3 (RNA binding region (RNP1, RRM) containing 3; plus strand), LOC129931062 (ATAC-STARR-seq lymphoblastoid active region 1413; plus strand). Cytogenetic location: 1p21.1.
Variant type: Microsatellite.
Coding change: c.48CTC[2] on transcript NM_017619.4 (MANE Select); two copies in a row of the 3-base unit CTC starting at c.48; the reference has three copies in a row; one copy, 3 bases deleted; also written c.54_56del.
Protein change: p.Ser19del; deletes serine 19.
Genome position (GRCh38, 1-based): chr1:103,526,124-103,526,126, CTC deleted; deleting any 3 consecutive bases within chr1:103,526,118-103,526,126 gives the same sequence; the position shown is the placement nearest the transcript's 3' end. VCF-style (leftmost placement, unchanged base first): chr1-103526117-GCTC-G. GRCh37 (hg19) VCF-style: chr1-104068739-GCTC-G.
Other names: c.54_56del (NM_017619.4); short protein forms S19del.
Identifiers: ClinVar variation 3377745 (VCV003377745.1).